The following is an entry in ClinVar:

NM_006060.6(IKZF1):c.1535G>T (p.Gly512Val)

Gene: IKZF1 (IKAROS family zinc finger 1; plus strand). Cytogenetic location: 7p12.2.
Variant type: single nucleotide variant.
Coding change: c.1535G>T on transcript NM_006060.6 (MANE Select); coding-DNA position 1535, G replaced by T.
Protein change: p.Gly512Val; replaces glycine 512 with valine.
Molecular consequence: missense variant.
Genome position (GRCh38, 1-based): chr7:50,400,602, G>T. VCF-style: chr7-50400602-G-T. GRCh37 (hg19) VCF-style: chr7-50468300-G-T.
Other names: c.1409G>T, p.Gly470Val (NM_001220765.3, NM_001291837.2); c.1244G>T, p.Gly415Val (NM_001220767.2); c.1274G>T, p.Gly425Val (NM_001220768.2, NM_001291838.2); c.1118G>T, p.Gly373Val (NM_001220770.2); c.1106G>T, p.Gly369Val (NM_001220771.2, NM_001291841.1); c.1148G>T, p.Gly383Val (NM_001291839.2); c.845G>T, p.Gly282Val (NM_001291840.1); c.1076G>T, p.Gly359Val (NM_001291842.1); and 3 more; short protein forms G282V, G317V, G327V, G359V, G369V, G373V, G383V, G415V.
Identifiers: ClinVar variation 3602670 (VCV003602670.1).
Genomic context (GRCh38, chr7:50,400,602, plus strand): 5'-GCAACATGTGCGGCTACCACAGCCAGGACCGGTACGAGTTCTCGTCGCACATAACGCGAG[G>T]GGAGCACCGCTTCCACATGAGCTAAAGCCCTCCCGCGCCCCCACCCCAGACCCCGAGCCA-3'
Protein context (NP_006051.1, residues 502-519): RYEFSSHITR[Gly512Val]EHRFHMS

ClinVar aggregate classification (germline): Uncertain significance (1 of 4 stars; one submission).

Conditions:
Acute lymphoid leukemia (ALL). Also called: Acute lymphoblastic leukemia; Acute lymphocytic leukemia; Leukemia, acute lymphoblastic, somatic; Lymphoblastic leukemia. Identifiers: Orphanet 513, MedGen C0023449, MONDO:0004967, OMIM 613065, HP:0006721.

Submission:

St. Jude Molecular Pathology, St. Jude Children's Research Hospital
Classification: Uncertain significance for Acute lymphoid leukemia. Last evaluated: 2025-02-05. Review status: criteria provided, single submitter. Criteria: St. Jude Assertion Criteria 2020. Collection method: clinical testing. Allele origin: germline.
Comment: The IKZF1 c.1535G>T (p.Gly512Val) missense change is absent in gnomAD v2.1.1. The in silico tool REVEL predicts a deleterious effect on protein function, but to our knowledge this prediction has not been confirmed by functional studies. This variant occurs in a gene where missense variants are more likely to be damaging based on methods described by Lek et al. (PMID: 27535533). To our knowledge, this variant has not been reported in individuals with acute lymphoblastic leukemia or immunodeficiency. In summary, the evidence currently available is insufficient to determine the clinical significance of this variant. It has therefore been classified as of uncertain significance.